The following is an entry in ClinVar:

NM_000023.4(SGCA):c.674G>A (p.Gly225Asp)

Gene: SGCA (sarcoglycan alpha; plus strand). Cytogenetic location: 17q21.33.
Variant type: single nucleotide variant.
Coding change: c.674G>A on transcript NM_000023.4 (MANE Select); coding-DNA position 674, G replaced by A.
Protein change: p.Gly225Asp; replaces glycine 225 with aspartic acid.
Molecular consequence: missense variant. On other transcripts: non-coding transcript variant (1), intron variant (1).
Genome position (GRCh38, 1-based): chr17:50,169,181, G>A. VCF-style: chr17-50169181-G-A. GRCh37 (hg19) VCF-style: chr17-48246542-G-A.
Other names: c.584+609G>A (NM_001135697.3); short protein forms G225D.
Identifiers: ClinVar variation 290718 (VCV000290718.13), dbSNP rs886044540, ClinGen allele CA10606886.

ClinVar aggregate classification (germline): Uncertain significance. Review status: criteria provided, multiple submitters, no conflicts (2 of 4 stars). 3 submissions from 3 submitters: Uncertain significance (3). Last evaluated 2023-02-08.

Conditions:
Autosomal recessive limb-girdle muscular dystrophy type 2D (LGMDR3). Also called: DUCHENNE-LIKE AUTOSOMAL RECESSIVE MUSCULAR DYSTROPHY, TYPE 2; ADHALINOPATHY, PRIMARY; MUSCULAR DYSTROPHY, LIMB-GIRDLE, AUTOSOMAL RECESSIVE 3. Identifiers: Orphanet 62, MedGen C2936332, MONDO:0011968, OMIM 608099. Disease mechanism: Affects gamma-sarcoglycan and also disrupts the integrity of the entire sarcoglycan complex..

Allele frequency attached by ClinVar (database versions not stated): TOPMed 0.00001.

Submissions (3):

Genome-Nilou Lab
Classification: Uncertain significance for Autosomal recessive limb-girdle muscular dystrophy type 2D. Last evaluated: 2023-02-08. Review status: criteria provided, single submitter. Criteria: ACMG Guidelines, 2015. Collection method: clinical testing. Allele origin: germline.

Labcorp Genetics (formerly Invitae), Labcorp
Classification: Uncertain significance for Autosomal recessive limb-girdle muscular dystrophy type 2D. Last evaluated: 2020-08-09. Review status: criteria provided, single submitter. Criteria: Invitae Variant Classification Sherloc (09022015). Collection method: clinical testing. Allele origin: germline.
Comment: This variant is not present in population databases (ExAC no frequency). This variant has not been reported in the literature in individuals with SGCA-related disease. ClinVar contains an entry for this variant (Variation ID: 290718). Algorithms developed to predict the effect of missense changes on protein structure and function output the following: SIFT: "Tolerated"; PolyPhen-2: "Benign"; Align-GVGD: "Class C0". The aspartic acid amino acid residue is found in multiple mammalian species, suggesting that this missense change does not adversely affect protein function. These predictions have not been confirmed by published functional studies and their clinical significance is uncertain. In summary, the available evidence is currently insufficient to determine the role of this variant in disease. Therefore, it has been classified as a Variant of Uncertain Significance. This sequence change replaces glycine with aspartic acid at codon 225 of the SGCA protein (p.Gly225Asp). The glycine residue is highly conserved and there is a moderate physicochemical difference between glycine and aspartic acid.

Eurofins Ntd Llc (ga)
Classification: Uncertain significance. Last evaluated: 2016-09-06. Review status: criteria provided, single submitter. Criteria: EGL Classification Definitions 2015. Collection method: clinical testing. Allele origin: germline. Observed: 1 variant allele, 1 heterozygote.